The following is an entry in ClinVar:

ClinVar aggregate classification (germline): Conflicting classifications of pathogenicity. Review status: criteria provided, conflicting classifications (1 of 4 stars). 5 submissions from 5 submitters: Uncertain significance (4); Likely benign (1). Last evaluated 2025-07-01.

Conditions:
Hyperuricemia, pulmonary hypertension, renal failure, alkalosis syndrome (HUPRAS). Also called: HYPERURICEMIA, PULMONARY HYPERTENSION, RENAL FAILURE, AND ALKALOSIS SYNDROME; HUPRA SYNDROME. Identifiers: Orphanet 363694, MedGen C3151209, MONDO:0013458, OMIM 613845.

Submissions (5):

CeGaT Center for Human Genetics Tuebingen
Classification: Uncertain significance. Last evaluated: 2025-07-01. Review status: criteria provided, single submitter. Criteria: CeGaT Center For Human Genetics Tuebingen Variant Classification Criteria Version 2. Collection method: clinical testing. Allele origin: germline. Affected: yes. Observed: 1 variant allele.
Comment: SARS2: PM2

GeneDx
Classification: Uncertain significance. Last evaluated: 2024-10-23. Review status: criteria provided, single submitter. Criteria: GeneDx Variant Classification Process June 2021. Collection method: clinical testing. Allele origin: germline. Affected: yes.
Comment: In silico analysis supports that this missense variant has a deleterious effect on protein structure/function; Has not been previously published as pathogenic or benign to our knowledge

Fulgent Genetics
Classification: Likely benign for Hyperuricemia, pulmonary hypertension, renal failure, alkalosis syndrome. Last evaluated: 2024-02-22. Review status: criteria provided, single submitter. Criteria: ACMG Guidelines, 2015. Collection method: clinical testing. Allele origin: germline.

Labcorp Genetics (formerly Invitae), Labcorp
Classification: Uncertain significance. Last evaluated: 2023-12-18. Review status: criteria provided, single submitter. Criteria: Invitae Variant Classification Sherloc (09022015). Collection method: clinical testing. Allele origin: germline.
Comment: This sequence change replaces aspartic acid, which is acidic and polar, with alanine, which is neutral and non-polar, at codon 59 of the SARS2 protein (p.Asp59Ala). This variant is present in population databases (rs145163692, gnomAD 0.07%). This variant has not been reported in the literature in individuals affected with SARS2-related conditions. ClinVar contains an entry for this variant (Variation ID: 2054564). Algorithms developed to predict the effect of missense changes on protein structure and function output the following: SIFT: "Not Available"; PolyPhen-2: "Benign"; Align-GVGD: "Not Available". The alanine amino acid residue is found in multiple mammalian species, which suggests that this missense change does not adversely affect protein function. In summary, the available evidence is currently insufficient to determine the role of this variant in disease. Therefore, it has been classified as a Variant of Uncertain Significance.

Baylor Genetics
Classification: Uncertain significance for Hyperuricemia, pulmonary hypertension, renal failure, alkalosis syndrome. Last evaluated: 2022-06-30. Review status: criteria provided, single submitter. Criteria: ACMG Guidelines, 2015. Collection method: clinical testing. Allele origin: unknown.

NM_017827.4(SARS2):c.176A>C (p.Asp59Ala)

Genes: SARS2 (seryl-tRNA synthetase 2, mitochondrial; minus strand), LOC130064387 (ATAC-STARR-seq lymphoblastoid active region 14604; plus strand). Cytogenetic location: 19q13.2.
Variant type: single nucleotide variant.
Coding change: c.176A>C on transcript NM_017827.4 (MANE Select); coding-DNA position 176, A replaced by C.
Protein change: p.Asp59Ala; replaces aspartic acid 59 with alanine.
Molecular consequence: missense variant.
Genome position (GRCh38, 1-based): chr19:38,930,561, T>G on the plus strand (A>C on the coding strand, the complement: SARS2 is on the minus strand). VCF-style: chr19-38930561-T-G. GRCh37 (hg19) VCF-style: chr19-39421201-T-G.
Other names: c.176A>C, p.Asp59Ala (NM_001145901.2); c.176A>C (NM_017827.3); short protein forms D59A.
Identifiers: ClinVar variation 2054564 (VCV002054564.13), dbSNP rs145163692, ClinGen allele CA9423328.